The following is an entry in ClinVar:

NM_002860.4(ALDH18A1):c.157C>G (p.Leu53Val)

Gene: ALDH18A1 (aldehyde dehydrogenase 18 family member A1; minus strand). Cytogenetic location: 10q24.1.
Variant type: single nucleotide variant.
Coding change: c.157C>G on transcript NM_002860.4 (MANE Select); coding-DNA position 157, C replaced by G.
Protein change: p.Leu53Val; replaces leucine 53 with valine.
Molecular consequence: missense variant. On other transcripts: intron variant (4).
Genome position (GRCh38, 1-based): chr10:95,643,138, G>C on the plus strand (C>G on the coding strand, the complement: ALDH18A1 is on the minus strand). VCF-style: chr10-95643138-G-C. GRCh37 (hg19) VCF-style: chr10-97402895-G-C.
Other names: c.157C>G, p.Leu53Val (NM_001017423.2, NM_001323413.2, NM_001323414.2 and 2 more transcripts); c.-78-9489C>G (NM_001323419.2); c.-30-5702C>G (NM_001323412.2, NM_001323418.2, NM_001323416.2); short protein forms L53V.
Identifiers: ClinVar variation 2943924 (VCV002943924.3), dbSNP rs2097895064, ClinGen allele CA377708175.
Genomic context (GRCh38, chr10:95,643,138, plus strand): 5'-TTCTCTTGGCATGCTTCAGCTCACTGCGGTGGGCGAAGGACTTGCCATGTGTACGACTGA[G>C]GGGTACAGTGATAAACGGGATGTTGCTCCAAGAACGAACATGTCTGATGACTGAAGGCTG-3'
Protein context (NP_002851.2, residues 43-63): WSNIPFITVP[Leu53Val]SRTHGKSFAH

ClinVar aggregate classification (germline): Uncertain significance (1 of 4 stars; one submission).

Conditions:
Cutis laxa, autosomal dominant 3 (ADCL3). Identifiers: Orphanet 90348, MedGen C4225268, MONDO:0014706, OMIM 616603.
Autosomal dominant spastic paraplegia type 9. Identifiers: MedGen C1832669, MONDO:0015091.
de Barsy syndrome. Also called: Cutis laxa-corneal clouding-oligophrenia syndrome. Identifiers: Orphanet 2962, MedGen C0268354, MONDO:0017569.

Allele frequency attached by ClinVar (database versions not stated): TOPMed below 0.00001.

Submission:

Labcorp Genetics (formerly Invitae), Labcorp
Classification: Uncertain significance for Autosomal dominant spastic paraplegia type 9; de Barsy syndrome; Cutis laxa, autosomal dominant 3. Last evaluated: 2023-02-03. Review status: criteria provided, single submitter. Criteria: Invitae Variant Classification Sherloc (09022015). Collection method: clinical testing. Allele origin: germline.
Comment: This variant has not been reported in the literature in individuals affected with ALDH18A1-related conditions. This variant is not present in population databases (gnomAD no frequency). This sequence change replaces leucine, which is neutral and non-polar, with valine, which is neutral and non-polar, at codon 53 of the ALDH18A1 protein (p.Leu53Val). Algorithms developed to predict the effect of missense changes on protein structure and function (SIFT, PolyPhen-2, Align-GVGD) all suggest that this variant is likely to be tolerated. In summary, the available evidence is currently insufficient to determine the role of this variant in disease. Therefore, it has been classified as a Variant of Uncertain Significance.